The following is an entry in ClinVar:

NM_152419.3(HGSNAT):c.1360C>T (p.Gln454Ter)

Gene: HGSNAT (heparan-alpha-glucosaminide N-acetyltransferase; plus strand). Cytogenetic location: 8p11.21.
Variant type: single nucleotide variant.
Coding change: c.1360C>T on transcript NM_152419.3 (MANE Select); coding-DNA position 1360, C replaced by T.
Protein change: p.Gln454Ter; replaces glutamine 454 with a stop codon.
Molecular consequence: nonsense.
Genome position (GRCh38, 1-based): chr8:43,192,413, C>T. VCF-style: chr8-43192413-C-T. GRCh37 (hg19) VCF-style: chr8-43047556-C-T.
Other names: c.1360C>T, p.Gln454Ter (NM_001363227.2); c.1168C>T, p.Gln390Ter (NM_001363228.2); c.496C>T, p.Gln166Ter (NM_001363229.2); short protein forms Q454*, Q390*, Q166*.
Identifiers: ClinVar variation 374408 (VCV000374408.9), dbSNP rs1057518644, ClinGen allele CA16043726.

ClinVar aggregate classification (germline): Pathogenic. Review status: criteria provided, multiple submitters, no conflicts (2 of 4 stars). 4 submissions from 4 submitters: Pathogenic (2). 2 of the submissions do not count toward it. Last evaluated 2025-01-18.

Conditions:
Mucopolysaccharidosis, MPS-III-C (MPS3C). Also called: MUCOPOLYSACCHARIDOSIS, TYPE IIIC; Mucopolysaccharidosis type IIIC (Sanfilippo C); MPS IIIC (Sanfilippo Syndrome Type C); SANFILIPPO SYNDROME C; mucopolysaccharidosis type 3C; MPS III C. Identifiers: Orphanet 581, Orphanet 79271, MedGen C0086649, MONDO:0009657, OMIM 252930.
Retinitis pigmentosa 73 (RP73). Identifiers: Orphanet 791, MedGen C4225287, MONDO:0014687, OMIM 616544.

Submissions (4):

Natera, Inc.
Classification: Pathogenic for Mucopolysaccharidosis type IIIC. Last evaluated: 2025-01-18. Review status: criteria provided, single submitter. Criteria: Natera Variant Classification Schema (03/2026). Collection method: clinical testing. Allele origin: germline.
Comment: The c.1360C>T variant in HGSNAT is a nonsense variant predicted to introduce a stop codon at amino acid 454. This variant is expected to result in nonsense mediated decay, truncation, or a dysfunctional protein product. This variant is rare in the general population with a frequency below the threshold expected for the associated phenotype(s). This variant has been observed in one or more individuals affected with the associated recessive disease, as either homozygous or compound heterozygous with a second variant (PMID: 27733599). Additionally, this variant has been observed to segregate in affected family members (PMID: 27733599). Given the available evidence, this variant is classified as Pathogenic.

Labcorp Genetics (formerly Invitae), Labcorp
Classification: Pathogenic for Retinitis pigmentosa 73; Mucopolysaccharidosis, MPS-III-C. Last evaluated: 2024-11-14. Review status: criteria provided, single submitter. Criteria: Invitae Variant Classification Sherloc (09022015). Collection method: clinical testing. Allele origin: germline.
Comment: This sequence change creates a premature translational stop signal (p.Gln454*) in the HGSNAT gene. It is expected to result in an absent or disrupted protein product. Loss-of-function variants in HGSNAT are known to be pathogenic (PMID: 17033958, 19479962). This variant is not present in population databases (gnomAD no frequency). This premature translational stop signal has been observed in individual(s) with mucopolysaccharidosis type III (PMID: 27733599). It has also been observed to segregate with disease in related individuals. ClinVar contains an entry for this variant (Variation ID: 374408). Algorithms developed to predict the effect of sequence changes on RNA splicing suggest that this variant may disrupt the consensus splice site. For these reasons, this variant has been classified as Pathogenic.

Counsyl
Classification: Likely pathogenic for Mucopolysaccharidosis, MPS-III-C. Last evaluated: 2017-10-16. Review status: no assertion criteria provided. Collection method: clinical testing. Allele origin: unknown. Not counted in ClinVar's aggregate classification.

GENETICS INSTITUTE, National university of Colombia
Classification: Pathogenic for Mucopolysaccharidosis, MPS-III-C. Last evaluated: 2016-03-01. Review status: no assertion criteria provided. Collection method: research. Allele origin: inherited. Inheritance: Autosomal recessive inheritance. Affected: yes. Observed: 5 variant alleles, 5 homozygotes. Clinical features observed: Coarse facial features, Macrocephaly, Facial hirsutism, Dysostosis multiplex, Cranial hyperostosis, Delayed speech and language development, Hyperactivity, Aggressive behavior, Echolalia. Not counted in ClinVar's aggregate classification.
Comment: As a result of genetic community visits in BoyacÃ¡, two patients with a phenotype compatible with MPS III in the village of Runta, adjacent to the city of Tunja rural area were identified. The research group Clinical Genetics at the National University of Colombia visited this place, leading to the identification of three more patients with the same presentation. In the first two cases identified, enzymatic assays for MPS III A and III B with negative results. Considering that MPS IIID is much less common, we considered MPS IIIC as a higher probability, so that the complete sequence of the gene HGSNAT, which revealed homozygous state, a new causal mutation was obtained. Mutation analysis in the remaining patients confirmed that all harboring the same mutation also in the homozygous state. All patients had coarse features that had become evident around 12 to 18 months and facial hirsutism. Hirsutism body was present in 80% of patients. Three patients had painful contractures of the large joints (hip, elbow and knee), as well as claw hand deformity. All patients had multiple disostosis and cranial hyperostosis and two patients had kyphosis. In all patients expressive language delay was presented, none of the patients becomes normal language for their chronological age, inattentiveness, echolalia and anxiety is evident.

Literature cited by the submitters: PubMed 27733599 (cited by 3 submitters); PubMed 17033958 (cited by Labcorp Genetics (formerly Invitae), Labcorp); PubMed 19479962 (cited by Labcorp Genetics (formerly Invitae), Labcorp).